The following is an entry in ClinVar:

NM_021942.6(TRAPPC11):c.3058C>G (p.Leu1020Val)

Gene: TRAPPC11 (trafficking protein particle complex subunit 11; plus strand). Cytogenetic location: 4q35.1.
Variant type: single nucleotide variant.
Coding change: c.3058C>G on transcript NM_021942.6 (MANE Select); coding-DNA position 3058, C replaced by G.
Protein change: p.Leu1020Val; replaces leucine 1020 with valine.
Molecular consequence: missense variant.
Genome position (GRCh38, 1-based): chr4:183,706,809, C>G. VCF-style: chr4-183706809-C-G. GRCh37 (hg19) VCF-style: chr4-184627962-C-G.
Other names: c.3058C>G, p.Leu1020Val (NM_199053.3); short protein forms L1020V.
Identifiers: ClinVar variation 1046345 (VCV001046345.9), dbSNP rs1737096044, ClinGen allele CA358874584.

ClinVar aggregate classification (germline): Uncertain significance (1 of 4 stars; one submission).

Conditions:
Autosomal recessive limb-girdle muscular dystrophy type R18 (LGMDR18). Also called: Autosomal recessive limb-girdle muscular dystrophy type 2S; Limb-girdle muscular dystrophy, type 2S; MUSCULAR DYSTROPHY, LIMB-GIRDLE, AUTOSOMAL RECESSIVE 18. Identifiers: Orphanet 369840, MedGen C4517996, MONDO:0014144, OMIM 615356.

Submission:

Labcorp Genetics (formerly Invitae), Labcorp
Classification: Uncertain significance for Autosomal recessive limb-girdle muscular dystrophy type R18. Last evaluated: 2020-07-20. Review status: criteria provided, single submitter. Criteria: Invitae Variant Classification Sherloc (09022015). Collection method: clinical testing. Allele origin: germline.
Comment: In summary, the available evidence is currently insufficient to determine the role of this variant in disease. Therefore, it has been classified as a Variant of Uncertain Significance. Algorithms developed to predict the effect of missense changes on protein structure and function are either unavailable or do not agree on the potential impact of this missense change (SIFT: "Tolerated"; PolyPhen-2: "Possibly Damaging"; Align-GVGD: "Class C0"). This variant has not been reported in the literature in individuals with TRAPPC11-related conditions. This variant is not present in population databases (ExAC no frequency). This sequence change replaces leucine with valine at codon 1020 of the TRAPPC11 protein (p.Leu1020Val). The leucine residue is moderately conserved and there is a small physicochemical difference between leucine and valine.